The following is an entry in ClinVar:

ClinVar aggregate classification (germline): Uncertain significance. Review status: criteria provided, multiple submitters, no conflicts (2 of 4 stars). 2 submissions from 2 submitters: Uncertain significance (2). Last evaluated 2023-06-02.

Conditions:
Inborn genetic diseases. Identifiers: MedGen C0950123, MeSH D030342.
Charcot-Marie-Tooth disease type 4A. Also called: Charcot-Marie-Tooth disease, demyelinating, autosomal recessive, type 4a. Identifiers: Orphanet 99948, MedGen C1859198, MONDO:0008961, OMIM 214400.

Submissions (2):

Ambry Genetics
Classification: Uncertain significance for Inborn genetic diseases. Last evaluated: 2023-06-02. Review status: criteria provided, single submitter. Criteria: Ambry Variant Classification Scheme 2023. Collection method: clinical testing. Allele origin: germline.

Labcorp Genetics (formerly Invitae), Labcorp
Classification: Uncertain significance for Charcot-Marie-Tooth disease type 4A. Last evaluated: 2021-07-13. Review status: criteria provided, single submitter. Criteria: Invitae Variant Classification Sherloc (09022015). Collection method: clinical testing. Allele origin: germline.
Comment: In summary, the available evidence is currently insufficient to determine the role of this variant in disease. Therefore, it has been classified as a Variant of Uncertain Significance. Advanced modeling of protein sequence and biophysical properties (such as structural, functional, and spatial information, amino acid conservation, physicochemical variation, residue mobility, and thermodynamic stability) performed at Invitae indicates that this missense variant is not expected to disrupt GDAP1 protein function. This variant has not been reported in the literature in individuals affected with GDAP1-related conditions. This variant is not present in population databases (ExAC no frequency). This sequence change replaces aspartic acid with asparagine at codon 21 of the GDAP1 protein (p.Asp21Asn). The aspartic acid residue is weakly conserved and there is a small physicochemical difference between aspartic acid and asparagine.

NM_018972.4(GDAP1):c.61G>A (p.Asp21Asn)

Genes: GDAP1 (ganglioside induced differentiation associated protein 1; plus strand), LOC130000622 (ATAC-STARR-seq lymphoblastoid active region 27542; plus strand). Cytogenetic location: 8q21.11.
Variant type: single nucleotide variant.
Coding change: c.61G>A on transcript NM_018972.4 (MANE Select); coding-DNA position 61, G replaced by A.
Protein change: p.Asp21Asn; replaces aspartic acid 21 with asparagine.
Molecular consequence: missense variant. On other transcripts: 5 prime UTR variant (2), intron variant (1).
Genome position (GRCh38, 1-based): chr8:74,350,522, G>A. VCF-style: chr8-74350522-G-A. GRCh37 (hg19) VCF-style: chr8-75262757-G-A.
Other names: c.-122G>A (NM_001362929.2); c.61G>A, p.Asp21Asn (NM_001362930.2, NM_001362931.2); c.-74G>A (NM_001362932.2); c.-64+50G>A (NM_001040875.4); c.61G>A (NM_018972.2); short protein forms D21N.
Identifiers: ClinVar variation 1518889 (VCV001518889.9), dbSNP rs1367421978, ClinGen allele CA371499089.